The following is an entry in ClinVar:

ClinVar aggregate classification (germline): Uncertain significance (1 of 4 stars; one submission).

Conditions:
Charcot-Marie-Tooth disease type 4A. Also called: Charcot-Marie-Tooth disease, demyelinating, autosomal recessive, type 4a. Identifiers: Orphanet 99948, MedGen C1859198, MONDO:0008961, OMIM 214400.

Allele frequency attached by ClinVar (database versions not stated): gnomAD 0.00001; TOPMed 0.00002.
gnomAD v4.1: 1 of 1,613,562 alleles (0.000062%); highest among the groups gnomAD compares: Non-Finnish European, 0.000085%; no homozygotes.

Submission:

Labcorp Genetics (formerly Invitae), Labcorp
Classification: Uncertain significance for Charcot-Marie-Tooth disease type 4A. Last evaluated: 2023-05-23. Review status: criteria provided, single submitter. Criteria: Invitae Variant Classification Sherloc (09022015). Collection method: clinical testing. Allele origin: germline.
Comment: In summary, the available evidence is currently insufficient to determine the role of this variant in disease. Therefore, it has been classified as a Variant of Uncertain Significance. An algorithm developed to predict the effect of missense changes on protein structure and function (PolyPhen-2) suggests that this variant is likely to be tolerated. This variant has not been reported in the literature in individuals affected with GDAP1-related conditions. This variant is not present in population databases (gnomAD no frequency). This sequence change replaces asparagine, which is neutral and polar, with serine, which is neutral and polar, at codon 72 of the GDAP1 protein (p.Asn72Ser).

NM_018972.4(GDAP1):c.215A>G (p.Asn72Ser)

Gene: GDAP1 (ganglioside induced differentiation associated protein 1; plus strand). Cytogenetic location: 8q21.11.
Variant type: single nucleotide variant.
Coding change: c.215A>G on transcript NM_018972.4 (MANE Select); coding-DNA position 215, A replaced by G.
Protein change: p.Asn72Ser; replaces asparagine 72 with serine.
Molecular consequence: missense variant. On other transcripts: intron variant (2).
Genome position (GRCh38, 1-based): chr8:74,351,371, A>G. VCF-style: chr8-74351371-A-G. GRCh37 (hg19) VCF-style: chr8-75263606-A-G.
Other names: c.11A>G, p.Asn4Ser (NM_001040875.4); c.215A>G, p.Asn72Ser (NM_001362930.2, NM_001362931.2); c.-18+50A>G (NM_001362929.2); c.-18+793A>G (NM_001362932.2); short protein forms N72S, N4S.
Identifiers: ClinVar variation 2742953 (VCV002742953.3), dbSNP rs1219330507, ClinGen allele CA371499454.